The following is an entry in ClinVar:

NM_000321.3(RB1):c.840A>G (p.Glu280=)

Gene: RB1 (RB transcriptional corepressor 1; plus strand). Cytogenetic location: 13q14.2.
Variant type: single nucleotide variant.
Coding change: c.840A>G on transcript NM_000321.3 (MANE Select); coding-DNA position 840, A replaced by G.
Protein change: p.Glu280=; no amino-acid change (glutamic acid 280 retained).
Molecular consequence: synonymous variant.
Genome position (GRCh38, 1-based): chr13:48,362,936, A>G. VCF-style: chr13-48362936-A-G. GRCh37 (hg19) VCF-style: chr13-48937072-A-G.
Identifiers: ClinVar variation 715145 (VCV000715145.14), dbSNP rs762092062, ClinGen allele CA039577.

ClinVar aggregate classification (germline): Benign/Likely benign. Review status: criteria provided, multiple submitters, no conflicts (2 of 4 stars). 5 submissions from 5 submitters: Benign (1); Likely benign (4). Last evaluated 2026-06-24.

Conditions:
Retinoblastoma (RB1). Also called: RETINOBLASTOMA, SOMATIC. Identifiers: Orphanet 790, MedGen C0035335, MeSH D012175, MONDO:0008380, OMIM 180200, HP:0009919. Disease mechanism: loss of function. Inheritance: Both sporadic and heritable forms are tested..
Hereditary cancer-predisposing syndrome. Also called: Hereditary Cancer Syndrome; Hereditary neoplastic syndrome; Neoplastic Syndromes, Hereditary; Tumor predisposition. Identifiers: Orphanet 140162, MedGen C0027672, MeSH D009386, MONDO:0015356.

Allele frequency attached by ClinVar (database versions not stated): gnomAD exomes 0.00003 and 0.00005; TOPMed 0.00001; ExAC 0.00011.
gnomAD v4.1: 28 of 1,613,578 alleles (0.0017%); highest among the groups gnomAD compares: Non-Finnish European, 0.0013%; no homozygotes.

Submissions (5):

Myriad Genetics, Inc.
Classification: Benign for Retinoblastoma. Last evaluated: 2026-06-24. Review status: criteria provided, single submitter. Criteria: Myriad Autosomal Dominant, Autosomal Recessive and X-Linked Classification Criteria (2023). Collection method: clinical testing. Allele origin: unknown.
Comment: This variant is considered benign. This variant is a silent/synonymous amino acid change and it is not expected to impact splicing.

Labcorp Genetics (formerly Invitae), Labcorp
Classification: Likely benign for Retinoblastoma. Last evaluated: 2025-05-18. Review status: criteria provided, single submitter. Criteria: Invitae Variant Classification Sherloc (09022015). Collection method: clinical testing. Allele origin: germline.

All of Us Research Program, National Institutes of Health
Classification: Likely benign for Retinoblastoma. Last evaluated: 2023-12-18. Review status: criteria provided, single submitter. Criteria: ACMG Guidelines, 2015. Collection method: clinical testing. Allele origin: germline. Inheritance: Autosomal dominant inheritance. Observed: 2 variant alleles, 2 heterozygotes.
Comment: This study involves interpretation of variants in research participants for the purpose of population health screening. Participant phenotype was not available at the time of variant classification. Additional details can be found in publication PMID: 35346344, PMCID: PMC8962531

Color Diagnostics, LLC DBA Color Health
Classification: Likely benign for Retinoblastoma. Last evaluated: 2023-09-19. Review status: criteria provided, single submitter. Criteria: ACMG Guidelines, 2015. Collection method: clinical testing. Allele origin: germline.

Ambry Genetics
Classification: Likely benign for Hereditary cancer-predisposing syndrome. Last evaluated: 2022-06-15. Review status: criteria provided, single submitter. Criteria: Ambry Variant Classification Scheme 2023. Collection method: clinical testing. Allele origin: germline.